The following is an entry in ClinVar:

ClinVar aggregate classification (germline): Uncertain significance (1 of 4 stars; one submission).

gnomAD v4.1: 1 of 1,613,200 alleles (0.000062%); highest among the groups gnomAD compares: African/African-American, 0.0013%; no homozygotes.

Submission:

GeneDx
Classification: Uncertain significance. Last evaluated: 2024-03-27. Review status: criteria provided, single submitter. Criteria: GeneDx Variant Classification Process June 2021. Collection method: clinical testing. Allele origin: germline. Affected: yes.
Comment: Not observed at significant frequency in large population cohorts (gnomAD); In silico analysis supports that this missense variant does not alter protein structure/function; Has not been previously published as pathogenic or benign to our knowledge

NM_014491.4(FOXP2):c.2124G>T (p.Glu708Asp)

Gene: FOXP2 (forkhead box P2; plus strand). Cytogenetic location: 7q31.1.
Variant type: single nucleotide variant.
Coding change: c.2124G>T on transcript NM_014491.4 (MANE Select); coding-DNA position 2124, G replaced by T.
Protein change: p.Glu708Asp; replaces glutamic acid 708 with aspartic acid.
Molecular consequence: missense variant. On other transcripts: non-coding transcript variant (2).
Genome position (GRCh38, 1-based): chr7:114,689,902, G>T. VCF-style: chr7-114689902-G-T. GRCh37 (hg19) VCF-style: chr7-114329957-G-T.
Other names: c.2121G>T, p.Glu707Asp (NM_001172766.3); c.2199G>T, p.Glu733Asp (NM_148898.4); c.2175G>T, p.Glu725Asp (NM_148900.4); short protein forms E707D, E708D, E725D, E733D.
Identifiers: ClinVar variation 3371386 (VCV003371386.1).